The following is an entry in ClinVar:

NM_001128205.2(SULF1):c.288C>T (p.Thr96=)

Gene: SULF1 (sulfatase 1; plus strand). Cytogenetic location: 8q13.2.
Variant type: single nucleotide variant.
Coding change: c.288C>T on transcript NM_001128205.2 (MANE Select); coding-DNA position 288, C replaced by T.
Protein change: p.Thr96=; no amino-acid change (threonine 96 retained).
Molecular consequence: synonymous variant. On other transcripts: non-coding transcript variant (2).
Genome position (GRCh38, 1-based): chr8:69,576,085, C>T. VCF-style: chr8-69576085-C-T. GRCh37 (hg19) VCF-style: chr8-70488320-C-T.
Other names: c.288C>T, p.Thr96= (NM_001128204.2, NM_001128206.2, NM_015170.3); c.288C>T (NM_001128205.1).
Identifiers: ClinVar variation 1583691 (VCV001583691.10), dbSNP rs138186217, ClinGen allele CA4775534.
Genomic context (GRCh38, chr8:69,576,085, plus strand): 5'-CTTCATCAATGCCTTTGTGACTACACCCATGTGCTGCCCGTCACGGTCCTCCATGCTCAC[C>T]GGGAAGTATGTGCACAATCACAATGTCTACACCAACAACGAGAACTGCTCTTCCCCCTCG-3'
Protein context (NP_001121677.1, residues 86-106): MCCPSRSSML[Thr96=]GKYVHNHNVY

ClinVar aggregate classification (germline): Likely benign. Review status: criteria provided, single submitter (1 of 4 stars). 2 submissions from 2 submitters: Likely benign (1). 1 of the submissions does not count toward it. Last evaluated 2025-02-03.

Conditions:
SULF1-related disorder. Also called: SULF1-related condition.

Allele frequency attached by ClinVar (database versions not stated): gnomAD 0.00003 and 0.00004; TOPMed 0.00003; gnomAD exomes 0.00001; ExAC 0.00002; ESP Exome Variant Server 0.00015.
gnomAD v4.1: 24 of 1,614,016 alleles (0.0015%); highest among the groups gnomAD compares: African/African-American, 0.0053%; no homozygotes.

Submissions (2):

Labcorp Genetics (formerly Invitae), Labcorp
Classification: Likely benign. Last evaluated: 2025-02-03. Review status: criteria provided, single submitter. Criteria: Invitae Variant Classification Sherloc (09022015). Collection method: clinical testing. Allele origin: germline.

PreventionGenetics, part of Exact Sciences
Classification: Likely benign for SULF1-related condition. Last evaluated: 2019-03-16. Review status: no assertion criteria provided. Collection method: clinical testing. Allele origin: germline. Not counted in ClinVar's aggregate classification.
Comment: This variant is classified as likely benign based on ACMG/AMP sequence variant interpretation guidelines (Richards et al. 2015 PMID: 25741868, with internal and published modifications).